The following is an entry in ClinVar:

NM_152564.5(VPS13B):c.11493C>T (p.Val3831=)

Gene: VPS13B (vacuolar protein sorting 13 homolog B; plus strand). Cytogenetic location: 8q22.2.
Variant type: single nucleotide variant.
Coding change: c.11493C>T on transcript NM_152564.5 (MANE Select); coding-DNA position 11493, C replaced by T.
Protein change: p.Val3831=; no amino-acid change (valine 3831 retained).
Molecular consequence: synonymous variant.
Genome position (GRCh38, 1-based): chr8:99,870,885, C>T. VCF-style: chr8-99870885-C-T. GRCh37 (hg19) VCF-style: chr8-100883113-C-T.
Other names: c.11568C>T, p.Val3856= (NM_017890.5); c.11493C>T (NM_152564.4).
Identifiers: ClinVar variation 1123805 (VCV001123805.10), dbSNP rs1406602437, ClinGen allele CA462339768.

ClinVar aggregate classification (germline): Likely benign. Review status: criteria provided, multiple submitters, no conflicts (2 of 4 stars). 2 submissions from 2 submitters: Likely benign (2). Last evaluated 2025-03-26.

Conditions:
Cohen syndrome (COH1). Also called: Cutis verticis gyrata, retinitis pigmentosa, and sensorineural deafness; PEPPER SYNDROME. Identifiers: Orphanet 193, MedGen C0265223, MONDO:0008999, OMIM 216550.
VPS13B-related disorder. Also called: VPS13B-related condition.

Allele frequency attached by ClinVar (database versions not stated): TOPMed below 0.00001; gnomAD 0.00001.
gnomAD v4.1: 1 of 1,613,748 alleles (0.000062%); highest among the groups gnomAD compares: Non-Finnish European, 0.000085%; no homozygotes.

Submissions (2):

PreventionGenetics, part of Exact Sciences
Classification: Likely benign for VPS13B-related condition. Last evaluated: 2025-03-26. Review status: criteria provided, single submitter. Criteria: ACMG Guidelines, 2015. Collection method: clinical testing. Allele origin: germline.
Comment: This variant is classified as likely benign based on ACMG/AMP sequence variant interpretation guidelines (Richards et al. 2015 PMID: 25741868, with internal and published modifications).

Labcorp Genetics (formerly Invitae), Labcorp
Classification: Likely benign for Cohen syndrome. Last evaluated: 2023-12-15. Review status: criteria provided, single submitter. Criteria: Invitae Variant Classification Sherloc (09022015). Collection method: clinical testing. Allele origin: germline.